The following is an entry in ClinVar:

NM_001042492.3(NF1):c.339G>C (p.Leu113Phe)

Gene: NF1 (neurofibromin 1; plus strand). Cytogenetic location: 17q11.2.
Variant type: single nucleotide variant.
Coding change: c.339G>C on transcript NM_001042492.3 (MANE Select); coding-DNA position 339, G replaced by C.
Protein change: p.Leu113Phe; replaces leucine 113 with phenylalanine.
Molecular consequence: missense variant.
Genome position (GRCh38, 1-based): chr17:31,163,236, G>C. VCF-style: chr17-31163236-G-C. GRCh37 (hg19) VCF-style: chr17-29490254-G-C.
Other names: c.339G>C, p.Leu113Phe (NM_000267.4, NM_001128147.3); short protein forms L113F.
Identifiers: ClinVar variation 2693941 (VCV002693941.3), dbSNP rs2544700511, ClinGen allele CA398981737.

ClinVar aggregate classification (germline): Uncertain significance (1 of 4 stars; one submission).

Conditions:
Neurofibromatosis, type 1 (NF1). Also called: Peripheral type neurofibromatosis; VON RECKLINGHAUSEN DISEASE; Neurofibromatosis, type I; NEUROFIBROMATOSIS, TYPE I, SOMATIC. Identifiers: Orphanet 636, MedGen C0027831, MONDO:0018975, OMIM 162200. Disease mechanism: loss of function.

Submission:

Labcorp Genetics (formerly Invitae), Labcorp
Classification: Uncertain significance for Neurofibromatosis, type 1. Last evaluated: 2023-11-07. Review status: criteria provided, single submitter. Criteria: Invitae Variant Classification Sherloc (09022015). Collection method: clinical testing. Allele origin: germline.
Comment: This sequence change replaces leucine, which is neutral and non-polar, with phenylalanine, which is neutral and non-polar, at codon 113 of the NF1 protein (p.Leu113Phe). This variant is not present in population databases (gnomAD no frequency). This variant has not been reported in the literature in individuals affected with NF1-related conditions. Advanced modeling of protein sequence and biophysical properties (such as structural, functional, and spatial information, amino acid conservation, physicochemical variation, residue mobility, and thermodynamic stability) performed at Invitae indicates that this missense variant is expected to disrupt NF1 protein function with a positive predictive value of 95%. In summary, the available evidence is currently insufficient to determine the role of this variant in disease. Therefore, it has been classified as a Variant of Uncertain Significance.